The following is an entry in ClinVar:

ClinVar aggregate classification (germline): Benign (1 of 4 stars; one submission).

Allele frequency attached by ClinVar (database versions not stated): 1000 Genomes Project 30x 0.61602; 1000 Genomes Project 0.61921; TOPMed 0.64817; gnomAD 0.65571 and 0.66068.
gnomAD v4.1: 100,413 of 152,034 alleles (66%); highest among the groups gnomAD compares: Middle Eastern, 77%; 34,378 homozygotes.

Submission:

GeneDx
Classification: Benign. Last evaluated: 2018-06-14. Review status: criteria provided, single submitter. Criteria: GeneDx Variant Classification (06012015). Collection method: clinical testing. Allele origin: germline. Affected: yes.
Comment: This variant is considered likely benign or benign based on one or more of the following criteria: it is a conservative change, it occurs at a poorly conserved position in the protein, it is predicted to be benign by multiple in silico algorithms, and/or has population frequency not consistent with disease.

NM_000138.5(FBN1):c.5545+270G>T

Gene: FBN1 (fibrillin 1; minus strand). Cytogenetic location: 15q21.1.
Variant type: single nucleotide variant.
Coding change: c.5545+270G>T on transcript NM_000138.5 (MANE Select); 270 bases into the intron after coding-DNA position 5545, G replaced by T.
Molecular consequence: intron variant.
Genome position (GRCh38, 1-based): chr15:48,452,292, C>A on the plus strand (G>T on the coding strand, the complement: FBN1 is on the minus strand). VCF-style: chr15-48452292-C-A. GRCh37 (hg19) VCF-style: chr15-48744489-C-A.
Identifiers: ClinVar variation 680569 (VCV000680569.1), dbSNP rs2245752, ClinGen allele CA14117718.